The following is an entry in ClinVar:

NM_212482.4(FN1):c.1977A>G (p.Ile659Met)

Gene: FN1 (fibronectin 1; minus strand). Cytogenetic location: 2q35.
Variant type: single nucleotide variant.
Coding change: c.1977A>G on transcript NM_212482.4 (MANE Select); coding-DNA position 1977, A replaced by G.
Protein change: p.Ile659Met; replaces isoleucine 659 with methionine.
Molecular consequence: missense variant.
Genome position (GRCh38, 1-based): chr2:215,410,079, T>C on the plus strand (A>G on the coding strand, the complement: FN1 is on the minus strand). VCF-style: chr2-215410079-T-C. GRCh37 (hg19) VCF-style: chr2-216274802-T-C.
Other names: c.1977A>G, p.Ile659Met (NM_001306129.2, NM_001306130.2, NM_001306131.2 and 13 more transcripts); short protein forms I659M.
Identifiers: ClinVar variation 2800310 (VCV002800310.3), dbSNP rs372594321, ClinGen allele CA350464202.

ClinVar aggregate classification (germline): Uncertain significance (1 of 4 stars; one submission).

Submission:

Labcorp Genetics (formerly Invitae), Labcorp
Classification: Uncertain significance. Last evaluated: 2025-06-12. Review status: criteria provided, single submitter. Criteria: Invitae Variant Classification Sherloc (09022015). Collection method: clinical testing. Allele origin: germline.
Comment: This sequence change replaces isoleucine, which is neutral and non-polar, with methionine, which is neutral and non-polar, at codon 659 of the FN1 protein (p.Ile659Met). This variant is not present in population databases (gnomAD no frequency). This variant has not been reported in the literature in individuals affected with FN1-related conditions. ClinVar contains an entry for this variant (Variation ID: 2800310). An algorithm developed to predict the effect of missense changes on protein structure and function (PolyPhen-2) suggests that this variant is likely to be disruptive. In summary, the available evidence is currently insufficient to determine the role of this variant in disease. Therefore, it has been classified as a Variant of Uncertain Significance.